The following is an entry in ClinVar:

ClinVar aggregate classification (germline): Uncertain significance (1 of 4 stars; one submission).

Conditions:
Tuberous sclerosis 1 (TSC1). Identifiers: Orphanet 805, MedGen C1854465, MONDO:0008612, OMIM 191100.

Submission:

Labcorp Genetics (formerly Invitae), Labcorp
Classification: Uncertain significance for Tuberous sclerosis 1. Last evaluated: 2025-07-18. Review status: criteria provided, single submitter. Criteria: Invitae Variant Classification Sherloc (09022015). Collection method: clinical testing. Allele origin: germline.
Comment: This sequence change replaces proline, which is neutral and non-polar, with leucine, which is neutral and non-polar, at codon 144 of the TSC1 protein (p.Pro144Leu). This variant is not present in population databases (gnomAD no frequency). This variant has not been reported in the literature in individuals affected with TSC1-related conditions. Invitae Evidence Modeling of protein sequence and biophysical properties (such as structural, functional, and spatial information, amino acid conservation, physicochemical variation, residue mobility, and thermodynamic stability) has been performed for this missense variant. However, the output from this modeling did not meet the statistical confidence thresholds required to predict the impact of this variant on TSC1 protein function. In summary, the available evidence is currently insufficient to determine the role of this variant in disease. Therefore, it has been classified as a Variant of Uncertain Significance.

NM_000368.5(TSC1):c.431C>T (p.Pro144Leu)

Gene: TSC1 (TSC complex subunit 1; minus strand). Cytogenetic location: 9q34.13.
Variant type: single nucleotide variant.
Coding change: c.431C>T on transcript NM_000368.5 (MANE Select); coding-DNA position 431, C replaced by T.
Protein change: p.Pro144Leu; replaces proline 144 with leucine.
Molecular consequence: missense variant. On other transcripts: 5 prime UTR variant (5), non-coding transcript variant (5).
Genome position (GRCh38, 1-based): chr9:132,923,425, G>A on the plus strand (C>T on the coding strand, the complement: TSC1 is on the minus strand). VCF-style: chr9-132923425-G-A. GRCh37 (hg19) VCF-style: chr9-135798812-G-A.
Other names: c.431C>T, p.Pro144Leu (NM_001162426.2, NM_001406592.1, NM_001406593.1 and 16 more transcripts); c.278C>T, p.Pro93Leu (NM_001162427.2, NM_001406610.1, NM_001406611.1 and 2 more transcripts); c.68C>T, p.Pro23Leu (NM_001362177.2, NM_001406614.1, NM_001406615.1 and 10 more transcripts); c.-447C>T (NM_001406626.1, NM_001406627.1, NM_001406628.1); c.-589C>T (NM_001406629.1); c.-663C>T (NM_001406630.1); short protein forms P93L, P23L, P144L.
Identifiers: ClinVar variation 4709638 (VCV004709638.1).